The following is an entry in ClinVar:

NM_004247.4(EFTUD2):c.1719+3A>G

Gene: EFTUD2 (elongation factor Tu GTP binding domain containing 2; minus strand). Cytogenetic location: 17q21.31.
Variant type: single nucleotide variant.
Coding change: c.1719+3A>G on transcript NM_004247.4 (MANE Select); 3 bases into the intron after coding-DNA position 1719, A replaced by G.
Molecular consequence: intron variant.
Genome position (GRCh38, 1-based): chr17:44,860,429, T>C on the plus strand (A>G on the coding strand, the complement: EFTUD2 is on the minus strand). VCF-style: chr17-44860429-T-C. GRCh37 (hg19) VCF-style: chr17-42937797-T-C.
Other names: c.1614+3A>G (NM_001142605.2); c.1689+3A>G (NM_001258354.2); c.1719+3A>G (NM_001258353.2).
Identifiers: ClinVar variation 2015627 (VCV002015627.4), dbSNP rs2050634764, ClinGen allele CA984031297.

ClinVar aggregate classification (germline): Uncertain significance (1 of 4 stars; one submission).

Allele frequency attached by ClinVar (database versions not stated): gnomAD 0.00001.
gnomAD v4.1: 1 of 1,611,148 alleles (0.000062%); highest among the groups gnomAD compares: Non-Finnish European, 0.000085%; no homozygotes.

Submission:

Labcorp Genetics (formerly Invitae), Labcorp
Classification: Uncertain significance. Last evaluated: 2022-07-10. Review status: criteria provided, single submitter. Criteria: Invitae Variant Classification Sherloc (09022015). Collection method: clinical testing. Allele origin: germline.
Comment: In summary, the available evidence is currently insufficient to determine the role of this variant in disease. Therefore, it has been classified as a Variant of Uncertain Significance. Variants that disrupt the consensus splice site are a relatively common cause of aberrant splicing (PMID: 17576681, 9536098). Algorithms developed to predict the effect of sequence changes on RNA splicing suggest that this variant may disrupt the consensus splice site. This variant has not been reported in the literature in individuals affected with EFTUD2-related conditions. This variant is not present in population databases (gnomAD no frequency). This sequence change falls in intron 17 of the EFTUD2 gene. It does not directly change the encoded amino acid sequence of the EFTUD2 protein. It affects a nucleotide within the consensus splice site.

Literature cited by the submitters: PubMed 17576681; PubMed 9536098.